The following is an entry in ClinVar:

ClinVar aggregate classification (germline): Uncertain significance. Review status: criteria provided, multiple submitters, no conflicts (2 of 4 stars). 8 submissions from 4 submitters: Uncertain significance (8). Last evaluated 2023-05-15.

Conditions:
Autosomal recessive limb-girdle muscular dystrophy type 2J (LGMDR10). Also called: MUSCULAR DYSTROPHY, LIMB-GIRDLE, AUTOSOMAL RECESSIVE 10; Limb-girdle muscular dystrophy, type 2J. Identifiers: Orphanet 140922, MedGen C1837342, MONDO:0012127, OMIM 608807.
Dilated cardiomyopathy 1G (CMD1G). Identifiers: Orphanet 154, MedGen C1858763, MONDO:0011400, OMIM 604145.
Early-onset myopathy with fatal cardiomyopathy (CMYO5). Also called: CONGENITAL MYOPATHY 5 WITH CARDIOMYOPATHY; Salih Myopathy. Identifiers: Orphanet 289377, MedGen C2673677, MONDO:0012714, OMIM 611705. Disease mechanism: loss of function.
Myopathy, myofibrillar, 9, with early respiratory failure (MFM9). Also called: Myopathy, distal, with early respiratory failure, autosomal dominant; EDSTROM MYOPATHY; MYOPATHY, PROXIMAL, WITH EARLY RESPIRATORY MUSCLE INVOLVEMENT; Hereditary myopathy with early respiratory failure. Identifiers: Orphanet 178464, Orphanet 34521, MedGen C1863599, MONDO:0011362, OMIM 603689.
Tibial muscular dystrophy (TMD). Also called: Tibial muscular dystrophy, tardive; Udd Distal Myopathy – Tibial Muscular Dystrophy; UDD MYOPATHY. Identifiers: Orphanet 609, MedGen C1838244, MONDO:0010870, OMIM 600334.

Allele frequency attached by ClinVar (database versions not stated): gnomAD 0.00001 and 0.00003; gnomAD exomes 0.00002 and 0.00004; TOPMed 0.00002; ExAC 0.00004; 1000 Genomes Project 30x 0.00016; 1000 Genomes Project 0.00020.
gnomAD v4.1: 29 of 1,614,030 alleles (0.0018%); highest among the groups gnomAD compares: East Asian, 0.062%; no homozygotes.

Submissions (8):

Women's Health and Genetics/Laboratory Corporation of America, LabCorp
Classification: Uncertain significance. Last evaluated: 2023-05-15. Review status: criteria provided, single submitter. Criteria: LabCorp Variant Classification Summary - May 2015. Collection method: clinical testing. Allele origin: germline.
Comment: Variant summary: TTN c.4874C>G (p.Ser1625Cys) results in a non-conservative amino acid change located near the Z-disk / I-band of the encoded protein sequence. Four of five in-silico tools predict a damaging effect of the variant on protein function. The variant allele was found at a frequency of 4e-05 in 249870 control chromosomes. This frequency is not significantly higher than estimated for a pathogenic variant in TTN causing Dilated Cardiomyopathy (4e-05 vs 0.00039), allowing no conclusion about variant significance. c.4874C>G has been reported in the literature in individuals affected with Dilated Cardiomyopathy or sudden cardiac arrest without strong evidence of causality (Song_2017, Dai_2019). These reports do not provide unequivocal conclusions about association of the variant with Dilated Cardiomyopathy. Co-occurrence with another pathogenic variant has been reported in a sudden cardiac arrest patient (RYR2 c.14311G>A, p.Val4771Ile, Song_2017), providing supporting evidence for a benign role. To our knowledge, no experimental evidence demonstrating an impact on protein function has been reported. Two submitters have provided clinical-significance assessments for this variant to ClinVar after 2014, and classified the variant as uncertain significance. Based on the evidence outlined above, the variant was classified as uncertain significance.

Illumina Laboratory Services, Illumina
Classification: Uncertain significance for Tibial muscular dystrophy. Last evaluated: 2018-01-15. Review status: criteria provided, single submitter. Criteria: ICSL Variant Classification Criteria 13 December 2019. Collection method: clinical testing. Allele origin: germline.

Illumina Laboratory Services, Illumina
Classification: Uncertain significance for Early-onset myopathy with fatal cardiomyopathy. Last evaluated: 2018-01-15. Review status: criteria provided, single submitter. Criteria: ICSL Variant Classification Criteria 13 December 2019. Collection method: clinical testing. Allele origin: germline.

Illumina Laboratory Services, Illumina
Classification: Uncertain significance for Myopathy, myofibrillar, 9, with early respiratory failure. Last evaluated: 2018-01-15. Review status: criteria provided, single submitter. Criteria: ICSL Variant Classification Criteria 13 December 2019. Collection method: clinical testing. Allele origin: germline.

Illumina Laboratory Services, Illumina
Classification: Uncertain significance for Dilated cardiomyopathy 1G. Last evaluated: 2018-01-15. Review status: criteria provided, single submitter. Criteria: ICSL Variant Classification Criteria 13 December 2019. Collection method: clinical testing. Allele origin: germline.

Illumina Laboratory Services, Illumina
Classification: Uncertain significance for Autosomal recessive limb-girdle muscular dystrophy type 2J. Last evaluated: 2018-01-15. Review status: criteria provided, single submitter. Criteria: ICSL Variant Classification Criteria 13 December 2019. Collection method: clinical testing. Allele origin: germline.

Labcorp Genetics (formerly Invitae), Labcorp
Classification: Uncertain significance for Dilated cardiomyopathy 1G; Autosomal recessive limb-girdle muscular dystrophy type 2J. Last evaluated: 2017-04-20. Review status: criteria provided, single submitter. Criteria: Invitae Variant Classification Sherloc (09022015). Collection method: clinical testing. Allele origin: germline.

Laboratory for Molecular Medicine, Mass General Brigham Personalized Medicine
Classification: Uncertain significance. Last evaluated: 2013-10-21. Review status: criteria provided, single submitter. Criteria: LMM Criteria. Collection method: clinical testing. Allele origin: germline. Observed: 1 variant allele.
Comment: The Ser1625Cys variant in TTN has not been reported in individuals with cardiomy opathy, but has been identified in 1/194 Han Chinese chromosomes by the 1000 Gen omes Project (dbSNP rs185789611). Computational analyses (biochemical amino acid properties, conservation, AlignGVGD, PolyPhen2, and SIFT) do not provide strong support for or against an impact to the protein. Additional information is need ed to fully assess the clinical significance of this variant.

Literature cited by the submitters: PubMed 30993396 (cited by Women's Health and Genetics/Laboratory Corporation of America, LabCorp); PubMed 28202948 (cited by Women's Health and Genetics/Laboratory Corporation of America, LabCorp).

NM_001267550.2(TTN):c.4874C>G (p.Ser1625Cys)

Genes: TTN (titin; minus strand), LOC101927055 (uncharacterized LOC101927055; plus strand). Cytogenetic location: 2q31.2.
Variant type: single nucleotide variant.
Coding change: c.4874C>G on transcript NM_001267550.2 (MANE Select); coding-DNA position 4874, C replaced by G.
Protein change: p.Ser1625Cys; replaces serine 1625 with cysteine.
Molecular consequence: missense variant. On other transcripts: non-coding transcript variant (1).
Genome position (GRCh38, 1-based): chr2:178,776,990, G>C on the plus strand (C>G on the coding strand, the complement: TTN is on the minus strand). VCF-style: chr2-178776990-G-C. GRCh37 (hg19) VCF-style: chr2-179641717-G-C.
Other names: c.4874C>G, p.Ser1625Cys (NM_133378.4, NM_001256850.1, NM_133379.5); c.4736C>G, p.Ser1579Cys (NM_003319.4, NM_133432.3, NM_133437.4); short protein forms S1625C, S1579C.
Identifiers: ClinVar variation 179059 (VCV000179059.12), dbSNP rs185789611, ClinGen allele CA183649.